The following is an entry in ClinVar:

ClinVar aggregate classification (germline): Uncertain significance (1 of 4 stars; one submission).

Conditions:
Mitochondrial DNA depletion syndrome 9 (MTDPS9). Also called: SUCLG1-Related Mitochondrial DNA Depletion Syndrome, Encephalomyopathic Form with Methylmalonic Aciduria. Identifiers: Orphanet 17, MedGen C3151476, MONDO:0009504, OMIM 245400.

Allele frequency attached by ClinVar (database versions not stated): gnomAD exomes below 0.00001.
gnomAD v4.1: 1 of 1,549,510 alleles (0.000065%); highest among the groups gnomAD compares: Non-Finnish European, 0.000087%; no homozygotes.

Submission:

Labcorp Genetics (formerly Invitae), Labcorp
Classification: Uncertain significance for Mitochondrial DNA depletion syndrome 9. Last evaluated: 2022-07-19. Review status: criteria provided, single submitter. Criteria: Invitae Variant Classification Sherloc (09022015). Collection method: clinical testing. Allele origin: germline.
Comment: In summary, the available evidence is currently insufficient to determine the role of this variant in disease. Therefore, it has been classified as a Variant of Uncertain Significance. Algorithms developed to predict the effect of missense changes on protein structure and function output the following: SIFT: "Tolerated"; PolyPhen-2: "Not Available"; Align-GVGD: "Class C0". The valine amino acid residue is found in multiple mammalian species, which suggests that this missense change does not adversely affect protein function. This variant has not been reported in the literature in individuals affected with SUCLG1-related conditions. This variant is not present in population databases (gnomAD no frequency). This sequence change replaces leucine, which is neutral and non-polar, with valine, which is neutral and non-polar, at codon 33 of the SUCLG1 protein (p.Leu33Val).

NM_003849.4(SUCLG1):c.97C>G (p.Leu33Val)

Gene: SUCLG1 (succinate-CoA ligase GDP/ADP-forming subunit alpha; minus strand). Cytogenetic location: 2p11.2.
Variant type: single nucleotide variant.
Coding change: c.97C>G on transcript NM_003849.4 (MANE Select); coding-DNA position 97, C replaced by G.
Protein change: p.Leu33Val; replaces leucine 33 with valine.
Molecular consequence: missense variant.
Genome position (GRCh38, 1-based): chr2:84,459,173, G>C on the plus strand (C>G on the coding strand, the complement: SUCLG1 is on the minus strand). VCF-style: chr2-84459173-G-C. GRCh37 (hg19) VCF-style: chr2-84686297-G-C.
Other names: short protein forms L33V.
Identifiers: ClinVar variation 1938222 (VCV001938222.5), dbSNP rs1435006077, ClinGen allele CA347518443.
Genomic context (GRCh38, chr2:84,459,173, plus strand): 5'-TTGGGTCCGGCGGGGCCAATAACCCGCGGGCGCCAGGAAGACAGTACTGGCTGGACTCAC[G>C]GAGGAAGCTGCGCGACAGGAGACGGGCGGCGGCGAGGCCGCTGCTGCCGGAGACCATGGT-3'
Protein context (NP_003840.2, residues 23-43): AARLLSRSFL[Leu33Val]PQNGIRHCSY